The following is an entry in ClinVar:

NM_014915.3(ANKRD26):c.2527G>A (p.Glu843Lys)

Gene: ANKRD26 (ankyrin repeat domain 26; minus strand). Cytogenetic location: 10p12.1.
Variant type: single nucleotide variant.
Coding change: c.2527G>A on transcript NM_014915.3 (MANE Select); coding-DNA position 2527, G replaced by A.
Protein change: p.Glu843Lys; replaces glutamic acid 843 with lysine.
Molecular consequence: missense variant.
Genome position (GRCh38, 1-based): chr10:27,037,903, C>T on the plus strand (G>A on the coding strand, the complement: ANKRD26 is on the minus strand). VCF-style: chr10-27037903-C-T. GRCh37 (hg19) VCF-style: chr10-27326832-C-T.
Other names: c.2524G>A, p.Glu842Lys (NM_001256053.2); short protein forms E843K, E842K.
Identifiers: ClinVar variation 4580022 (VCV004580022.1).
Genomic context (GRCh38, chr10:27,037,903, plus strand): 5'-ATAAAATTTTTATCAAAAATTAATTTACCTGATTCAAATTACTTTTTACAGTCCTCAATT[C>T]CATCTCCAGTGTTTGGAGACTCAGTTCAAGCTGTTGTTTCACTTCAACTTCTTTCCTATA-3'
Protein context (NP_055730.2, residues 833-853): LELSLQTLEM[Glu843Lys]LRTVKSNLNQ

ClinVar aggregate classification (germline): Uncertain significance (1 of 4 stars; one submission).

Conditions:
Inborn genetic diseases. Identifiers: MedGen C0950123, MeSH D030342.

Submission:

Ambry Genetics
Classification: Uncertain significance for Inborn genetic diseases. Last evaluated: 2025-11-17. Review status: criteria provided, single submitter. Criteria: Ambry Variant Classification Scheme 2023. Collection method: clinical testing. Allele origin: germline.
Comment: The p.E843K variant (also known as c.2527G>A), located in coding exon 22 of the ANKRD26 gene, results from a G to A substitution at nucleotide position 2527. The glutamic acid at codon 843 is replaced by lysine, an amino acid with similar properties. This amino acid position is conserved. In addition, this alteration is predicted to be tolerated by in silico analysis. Based on the available evidence, the clinical significance of this variant remains unclear.